The following is an entry in ClinVar:

ClinVar aggregate classification (germline): Uncertain significance. Review status: criteria provided, multiple submitters, no conflicts (2 of 4 stars). 2 submissions from 2 submitters: Uncertain significance (2). Last evaluated 2025-09-22.

Conditions:
Inborn genetic diseases. Identifiers: MedGen C0950123, MeSH D030342.
Hyperphosphatasia with intellectual disability syndrome 5 (GPIBD11). Also called: GLYCOSYLPHOSPHATIDYLINOSITOL BIOSYNTHESIS DEFECT 11. Identifiers: Orphanet 247262, MedGen C4014958, MONDO:0014457, OMIM 616025.

Allele frequency attached by ClinVar (database versions not stated): gnomAD 0.00001; TOPMed 0.00006; gnomAD exomes 0.00005; ExAC 0.00005.
gnomAD v4.1: 14 of 1,614,014 alleles (0.00087%); highest among the groups gnomAD compares: Admixed American, 0.023%; no homozygotes.

Submissions (2):

Ambry Genetics
Classification: Uncertain significance for Inborn genetic diseases. Last evaluated: 2025-09-22. Review status: criteria provided, single submitter. Criteria: Ambry Variant Classification Scheme 2023. Collection method: clinical testing. Allele origin: germline.

Labcorp Genetics (formerly Invitae), Labcorp
Classification: Uncertain significance for Hyperphosphatasia with intellectual disability syndrome 5. Last evaluated: 2022-10-01. Review status: criteria provided, single submitter. Criteria: Invitae Variant Classification Sherloc (09022015). Collection method: clinical testing. Allele origin: germline.
Comment: This sequence change replaces leucine, which is neutral and non-polar, with valine, which is neutral and non-polar, at codon 343 of the PIGW protein (p.Leu343Val). This variant is present in population databases (rs761421862, gnomAD 0.04%). This variant has not been reported in the literature in individuals affected with PIGW-related conditions. ClinVar contains an entry for this variant (Variation ID: 1397196). Advanced modeling of protein sequence and biophysical properties (such as structural, functional, and spatial information, amino acid conservation, physicochemical variation, residue mobility, and thermodynamic stability) performed at Invitae indicates that this missense variant is not expected to disrupt PIGW protein function. In summary, the available evidence is currently insufficient to determine the role of this variant in disease. Therefore, it has been classified as a Variant of Uncertain Significance.

NM_001346754.2(PIGW):c.1027C>G (p.Leu343Val)

Genes: MYO19 (myosin XIX; minus strand), PIGW (phosphatidylinositol glycan anchor biosynthesis class W; plus strand). Cytogenetic location: 17q12.
Variant type: single nucleotide variant.
Coding change: c.1027C>G on transcript NM_001346754.2 (MANE Select); coding-DNA position 1027, C replaced by G.
Protein change: p.Leu343Val; replaces leucine 343 with valine.
Molecular consequence: missense variant.
Genome position (GRCh38, 1-based): chr17:36,538,128, C>G. VCF-style: chr17-36538128-C-G. GRCh37 (hg19) VCF-style: chr17-34893977-C-G.
Other names: c.1027C>G, p.Leu343Val (NM_001346755.2, NM_178517.5); c.1027C>G (NM_178517.3); short protein forms L343V.
Identifiers: ClinVar variation 1397196 (VCV001397196.4), dbSNP rs761421862, ClinGen allele CA290116504.